The following is an entry in ClinVar:

ClinVar aggregate classification (germline): Benign (1 of 4 stars; one submission).

Conditions:
Cataract 6 multiple types. Also called: CATARACT, AGE-RELATED CORTICAL, 2; CATARACT 6, POSTERIOR POLAR; CATARACT 6, CONGENITAL TOTAL. Identifiers: Orphanet 91492, MedGen C1861825, MONDO:0007288, OMIM 116600.

Allele frequency attached by ClinVar (database versions not stated): gnomAD 0.01794 and 0.01916; TOPMed 0.02036; 1000 Genomes Project 0.02216; 1000 Genomes Project 30x 0.02280.

Submission:

Illumina Laboratory Services, Illumina
Classification: Benign for Cataract 6 multiple types. Last evaluated: 2018-01-12. Review status: criteria provided, single submitter. Criteria: ICSL Variant Classification Criteria 13 December 2019. Collection method: clinical testing. Allele origin: germline.
Comment: This variant was observed in the ICSL laboratory as part of a predisposition screen in an ostensibly healthy population. It had not been previously curated by ICSL or reported in the Human Gene Mutation Database (HGMD: prior to June 1st, 2018), and was therefore a candidate for classification through an automated scoring system. Utilizing variant allele frequency, disease prevalence and penetrance estimates, and inheritance mode, an automated score was calculated to assess if this variant is too frequent to cause the disease. Based on the score and internal cut-off values, a variant classified as benign is not then subjected to further curation. The score for this variant resulted in a classification of benign for this disease.

NM_004431.5(EPHA2):c.*714G>A

Gene: EPHA2 (EPH receptor A2; minus strand). Cytogenetic location: 1p36.13.
Variant type: single nucleotide variant.
Coding change: c.*714G>A on transcript NM_004431.5 (MANE Select); 714 bases downstream of the stop codon, G replaced by A.
Molecular consequence: 3 prime UTR variant.
Genome position (GRCh38, 1-based): chr1:16,124,501, C>T on the plus strand (G>A on the coding strand, the complement: EPHA2 is on the minus strand). VCF-style: chr1-16124501-C-T. GRCh37 (hg19) VCF-style: chr1-16450996-C-T.
Other names: c.*714G>A (NM_001329090.2).
Identifiers: ClinVar variation 293391 (VCV000293391.5), dbSNP rs78569898, ClinGen allele CA10608153.
Genomic context (GRCh38, chr1:16,124,501, plus strand): 5'-AAAACAAAATCTTTAACACTGACAGAATAGAAACTTATCCAAAAGGATGAGAGATGGGGC[C>T]GACTGGGGCATGGGCAGGACACTCCTGCAGCACCGGTCCCTGAGTCCCCAGCTCACGAAT-3'